The following is an entry in ClinVar:

NM_006277.3(ITSN2):c.3952A>C (p.Lys1318Gln)

Gene: ITSN2 (intersectin 2; minus strand). Cytogenetic location: 2p23.3.
Variant type: single nucleotide variant.
Coding change: c.3952A>C on transcript NM_006277.3 (MANE Select); coding-DNA position 3952, A replaced by C.
Protein change: p.Lys1318Gln; replaces lysine 1318 with glutamine.
Molecular consequence: missense variant.
Genome position (GRCh38, 1-based): chr2:24,216,087, T>G on the plus strand (A>C on the coding strand, the complement: ITSN2 is on the minus strand). VCF-style: chr2-24216087-T-G. GRCh37 (hg19) VCF-style: chr2-24438956-T-G.
Other names: c.3910A>C, p.Lys1304Gln (NM_001348181.2); c.3832A>C, p.Lys1278Gln (NM_001348182.2); c.3871A>C, p.Lys1291Gln (NM_019595.4); short protein forms K1278Q, K1291Q, K1304Q, K1318Q.
Identifiers: ClinVar variation 3356948 (VCV003356948.1).
Genomic context (GRCh38, chr2:24,216,087, plus strand): 5'-GCAAGGCCCAGAATGGAATTACCTTTAAAAATTCTTTGAAATCTGTGTCTTCATCTGTCT[T>G]CTGCTGTAACAGAGCTGCTCCATTAAGCTGGCAGCTGCAGAACCTGATGTAAGCCTGCAT-3'
Protein context (NP_006268.2, residues 1308-1328): QLNGAALLQQ[Lys1318Gln]TDEDTDFKEF

ClinVar aggregate classification (germline): Uncertain significance (0 of 4 stars; one submission).

Conditions:
ITSN2-related disorder. Also called: ITSN2-related condition.

gnomAD v4.1: 21 of 1,609,216 alleles (0.0013%); highest among the groups gnomAD compares: Non-Finnish European, 0.0017%; no homozygotes.

Submission:

PreventionGenetics, part of Exact Sciences
Classification: Uncertain significance for ITSN2-related condition. Last evaluated: 2024-09-17. Review status: no assertion criteria provided. Collection method: clinical testing. Allele origin: germline.
Comment: The ITSN2 c.3952A>C variant is predicted to result in the amino acid substitution p.Lys1318Gln. To our knowledge, this variant has not been reported in the literature. This variant is reported in 0.00089% of alleles in individuals of European (Non-Finnish) descent in gnomAD. At this time, the clinical significance of this variant is uncertain due to the absence of conclusive functional and genetic evidence.